The following is an entry in ClinVar:

ClinVar aggregate classification (germline): Uncertain significance. Review status: criteria provided, multiple submitters, no conflicts (2 of 4 stars). 2 submissions from 2 submitters: Uncertain significance (2). Last evaluated 2026-07-29.

Conditions:
Cardiovascular phenotype. Identifiers: MedGen CN230736.
Hereditary cancer-predisposing syndrome. Also called: Hereditary Cancer Syndrome; Tumor predisposition; Neoplastic Syndromes, Hereditary; Hereditary neoplastic syndrome. Identifiers: Orphanet 140162, MedGen C0027672, MeSH D009386, MONDO:0015356.
Neurofibromatosis, type 1 (NF1). Also called: NEUROFIBROMATOSIS, TYPE I, SOMATIC; Peripheral type neurofibromatosis; VON RECKLINGHAUSEN DISEASE; Neurofibromatosis, type I. Identifiers: Orphanet 636, MedGen C0027831, MONDO:0018975, OMIM 162200. Disease mechanism: loss of function.

Submissions (2):

Ambry Genetics
Classification: Uncertain significance for Cardiovascular phenotype; Hereditary cancer-predisposing syndrome. Last evaluated: 2026-07-29. Review status: criteria provided, single submitter. Criteria: Ambry Variant Classification Scheme 2023. Collection method: clinical testing. Allele origin: germline.
Comment: The p.G2020E variant (also known as c.6059G>A), located in coding exon 40 of the NF1 gene, results from a G to A substitution at nucleotide position 6059. The glycine at codon 2020 is replaced by glutamic acid, an amino acid with similar properties. This amino acid position is conserved. In addition, this alteration is predicted to be deleterious by in silico analysis. Based on the available evidence, the clinical significance of this variant remains unclear.

Labcorp Genetics (formerly Invitae), Labcorp
Classification: Uncertain significance for Neurofibromatosis, type 1. Last evaluated: 2021-08-08. Review status: criteria provided, single submitter. Criteria: Invitae Variant Classification Sherloc (09022015). Collection method: clinical testing. Allele origin: germline.
Comment: In summary, the available evidence is currently insufficient to determine the role of this variant in disease. Therefore, it has been classified as a Variant of Uncertain Significance. Advanced modeling of protein sequence and biophysical properties (such as structural, functional, and spatial information, amino acid conservation, physicochemical variation, residue mobility, and thermodynamic stability) performed at Invitae indicates that this missense variant is expected to disrupt NF1 protein function. This variant has not been reported in the literature in individuals affected with NF1-related conditions. This variant is not present in population databases (ExAC no frequency). This sequence change replaces glycine with glutamic acid at codon 2020 of the NF1 protein (p.Gly2020Glu). The glycine residue is moderately conserved and there is a moderate physicochemical difference between glycine and glutamic acid.

NM_001042492.3(NF1):c.6122G>A (p.Gly2041Glu)

Gene: NF1 (neurofibromin 1; plus strand). Cytogenetic location: 17q11.2.
Variant type: single nucleotide variant.
Coding change: c.6122G>A on transcript NM_001042492.3 (MANE Select); coding-DNA position 6122, G replaced by A.
Protein change: p.Gly2041Glu; replaces glycine 2041 with glutamic acid.
Molecular consequence: missense variant.
Genome position (GRCh38, 1-based): chr17:31,336,448, G>A. VCF-style: chr17-31336448-G-A. GRCh37 (hg19) VCF-style: chr17-29663466-G-A.
Other names: c.6059G>A, p.Gly2020Glu (NM_000267.4); short protein forms G2020E, G2041E.
Identifiers: ClinVar variation 1460961 (VCV001460961.8), dbSNP rs2151553528, ClinGen allele CA399011460.